The following is an entry in ClinVar:

NM_001384140.1(PCDH15):c.649A>G (p.Arg217Gly)

Gene: PCDH15 (protocadherin related 15; minus strand). Cytogenetic location: 10q21.1.
Variant type: single nucleotide variant.
Coding change: c.649A>G on transcript NM_001384140.1 (MANE Select); coding-DNA position 649, A replaced by G.
Protein change: p.Arg217Gly; replaces arginine 217 with glycine.
Molecular consequence: missense variant. On other transcripts: intron variant (1).
Genome position (GRCh38, 1-based): chr10:54,329,652, T>C on the plus strand (A>G on the coding strand, the complement: PCDH15 is on the minus strand). VCF-style: chr10-54329652-T-C. GRCh37 (hg19) VCF-style: chr10-56089412-T-C.
Other names: c.664A>G, p.Arg222Gly (NM_001142763.2, NM_001142769.4, NM_001142771.2); c.649A>G, p.Arg217Gly (NM_001142764.2, NM_001142765.2, NM_001142766.2 and 7 more transcripts); c.583A>G, p.Arg195Gly (NM_001142768.2, NM_001142773.2, NM_001354404.2); c.595-12211A>G (NM_001142767.2); short protein forms R195G, R222G, R217G.
Identifiers: ClinVar variation 1931368 (VCV001931368.2), dbSNP rs149720253, ClinGen allele CA5506634.

ClinVar aggregate classification (germline): Uncertain significance (1 of 4 stars; one submission).

Allele frequency attached by ClinVar (database versions not stated): ExAC 0.00001; ESP Exome Variant Server 0.00008.

Submission:

Labcorp Genetics (formerly Invitae), Labcorp
Classification: Uncertain significance. Last evaluated: 2022-02-19. Review status: criteria provided, single submitter. Criteria: Invitae Variant Classification Sherloc (09022015). Collection method: clinical testing. Allele origin: germline.
Comment: This sequence change replaces arginine, which is basic and polar, with glycine, which is neutral and non-polar, at codon 217 of the PCDH15 protein (p.Arg217Gly). This variant is present in population databases (rs149720253, gnomAD 0.007%). This variant has not been reported in the literature in individuals affected with PCDH15-related conditions. Algorithms developed to predict the effect of missense changes on protein structure and function are either unavailable or do not agree on the potential impact of this missense change (SIFT: "Deleterious"; PolyPhen-2: "Possibly Damaging"; Align-GVGD: "Class C0"). In summary, the available evidence is currently insufficient to determine the role of this variant in disease. Therefore, it has been classified as a Variant of Uncertain Significance.